The following is an entry in ClinVar:

ClinVar aggregate classification (germline): Uncertain significance (1 of 4 stars; one submission).

Conditions:
Brugada syndrome 8 (BRGDA8). Identifiers: Orphanet 130, MedGen C2751083, MONDO:0013148, OMIM 613123.

Submission:

Labcorp Genetics (formerly Invitae), Labcorp
Classification: Uncertain significance for Brugada syndrome 8. Last evaluated: 2024-06-16. Review status: criteria provided, single submitter. Criteria: Invitae Variant Classification Sherloc (09022015). Collection method: clinical testing. Allele origin: germline.
Comment: This sequence change replaces serine, which is neutral and polar, with phenylalanine, which is neutral and non-polar, at codon 831 of the HCN4 protein (p.Ser831Phe). This variant is not present in population databases (gnomAD no frequency). This variant has not been reported in the literature in individuals affected with HCN4-related conditions. Advanced modeling of protein sequence and biophysical properties (such as structural, functional, and spatial information, amino acid conservation, physicochemical variation, residue mobility, and thermodynamic stability) performed at Invitae indicates that this missense variant is not expected to disrupt HCN4 protein function with a negative predictive value of 95%. In summary, the available evidence is currently insufficient to determine the role of this variant in disease. Therefore, it has been classified as a Variant of Uncertain Significance.

NM_005477.3(HCN4):c.2492C>T (p.Ser831Phe)

Gene: HCN4 (hyperpolarization activated cyclic nucleotide gated potassium channel 4; minus strand). Cytogenetic location: 15q24.1.
Variant type: single nucleotide variant.
Coding change: c.2492C>T on transcript NM_005477.3 (MANE Select); coding-DNA position 2492, C replaced by T.
Protein change: p.Ser831Phe; replaces serine 831 with phenylalanine.
Molecular consequence: missense variant.
Genome position (GRCh38, 1-based): chr15:73,323,601, G>A on the plus strand (C>T on the coding strand, the complement: HCN4 is on the minus strand). VCF-style: chr15-73323601-G-A. GRCh37 (hg19) VCF-style: chr15-73615942-G-A.
Other names: short protein forms S831F.
Identifiers: ClinVar variation 2964913 (VCV002964913.3), dbSNP rs2549068941, ClinGen allele CA393088787.